The following is an entry in ClinVar:

ClinVar aggregate classification (germline): Uncertain significance. Review status: criteria provided, multiple submitters, no conflicts (2 of 4 stars). 3 submissions from 3 submitters: Uncertain significance (3). Last evaluated 2025-03-19.

Conditions:
Muscular dystrophy-dystroglycanopathy (congenital with brain and eye anomalies), type A9. Also called: WALKER-WARBURG SYNDROME OR MUSCLE-EYE BRAIN DISEASE, DAG1-RELATED; Muscular dystrophy-dystroglycanopathy (congenital with brain and eye anomalies), type a, 9. Identifiers: Orphanet 370997, Orphanet 899, MedGen C4225291, MONDO:0014683, OMIM 616538.
Autosomal recessive limb-girdle muscular dystrophy type 2P. Also called: MUSCULAR DYSTROPHY, LIMB-GIRDLE, TYPE 2P; Limb-Girdle Muscular Dystrophy Type 9C; MUSCULAR DYSTROPHY-DYSTROGLYCANOPATHY, LIMB-GIRDLE, DAG1-RELATED. Identifiers: Orphanet 280333, MedGen C4511963, MONDO:0013440, OMIM 613818.

gnomAD v4.1: 5 of 1,613,930 alleles (0.00031%); highest among the groups gnomAD compares: Non-Finnish European, 0.00017%; no homozygotes.

Submissions (3):

GeneDx
Classification: Uncertain significance. Last evaluated: 2025-03-19. Review status: criteria provided, single submitter. Criteria: GeneDx Variant Classification Process June 2021. Collection method: clinical testing. Allele origin: germline. Affected: yes.
Comment: In silico analysis indicates that this missense variant does not alter protein structure/function; Has not been previously published as pathogenic or benign to our knowledge

Labcorp Genetics (formerly Invitae), Labcorp
Classification: Uncertain significance for Autosomal recessive limb-girdle muscular dystrophy type 2P; Muscular dystrophy-dystroglycanopathy (congenital with brain and eye anomalies), type A9. Last evaluated: 2021-12-31. Review status: criteria provided, single submitter. Criteria: Invitae Variant Classification Sherloc (09022015). Collection method: clinical testing. Allele origin: germline.
Comment: ClinVar contains an entry for this variant (Variation ID: 282675). Algorithms developed to predict the effect of missense changes on protein structure and function are either unavailable or do not agree on the potential impact of this missense change (SIFT: "Tolerated"; PolyPhen-2: "Possibly Damaging"; Align-GVGD: "Class C25"). In summary, the available evidence is currently insufficient to determine the role of this variant in disease. Therefore, it has been classified as a Variant of Uncertain Significance. This sequence change replaces arginine, which is basic and polar, with leucine, which is neutral and non-polar, at codon 714 of the DAG1 protein (p.Arg714Leu). The frequency data for this variant in the population databases is considered unreliable, as metrics indicate poor data quality at this position in the gnomAD database. This variant has not been reported in the literature in individuals affected with DAG1-related conditions.

Eurofins Ntd Llc (ga)
Classification: Uncertain significance. Last evaluated: 2015-08-19. Review status: criteria provided, single submitter. Criteria: EGL Classification Definitions 2015. Collection method: clinical testing. Allele origin: germline. Observed: 1 variant allele, 1 heterozygote.

NM_004393.6(DAG1):c.2141G>T (p.Arg714Leu)

Gene: DAG1 (dystroglycan 1; plus strand). Cytogenetic location: 3p21.31.
Variant type: single nucleotide variant.
Coding change: c.2141G>T on transcript NM_004393.6 (MANE Select); coding-DNA position 2141, G replaced by T.
Protein change: p.Arg714Leu; replaces arginine 714 with leucine.
Molecular consequence: missense variant.
Genome position (GRCh38, 1-based): chr3:49,532,652, G>T. VCF-style: chr3-49532652-G-T. GRCh37 (hg19) VCF-style: chr3-49570085-G-T.
Other names: c.2141G>T, p.Arg714Leu (NM_001165928.4, NM_001177634.3, NM_001177635.3 and 9 more transcripts); c.2141G>T (NM_004393.5); short protein forms R714L.
Identifiers: ClinVar variation 282675 (VCV000282675.11), dbSNP rs201488118, ClinGen allele CA2399213.